The following is an entry in ClinVar:

ClinVar aggregate classification (germline): Likely benign. Review status: criteria provided, multiple submitters, no conflicts (2 of 4 stars). 2 submissions from 2 submitters: Likely benign (2). Last evaluated 2026-09-01.

gnomAD v4.1: 71 of 1,613,598 alleles (0.0044%); highest among the groups gnomAD compares: Admixed American, 0.013%; no homozygotes.

Submissions (2):

CeGaT Center for Human Genetics Tuebingen
Classification: Likely benign. Last evaluated: 2026-09-01. Review status: criteria provided, single submitter. Criteria: CeGaT Center For Human Genetics Tuebingen Variant Classification Criteria Version 2. Collection method: clinical testing. Allele origin: germline. Affected: yes. Observed: 1 variant allele.
Comment: OSBPL2: BP4, BP7

Labcorp Genetics (formerly Invitae), Labcorp
Classification: Likely benign. Last evaluated: 2025-09-11. Review status: criteria provided, single submitter. Criteria: Invitae Variant Classification Sherloc (09022015). Collection method: clinical testing. Allele origin: germline.

NM_144498.4(OSBPL2):c.6C>T (p.Asn2=)

Gene: OSBPL2 (oxysterol binding protein like 2; plus strand). Cytogenetic location: 20q13.33.
Variant type: single nucleotide variant.
Coding change: c.6C>T on transcript NM_144498.4 (MANE Select); coding-DNA position 6, C replaced by T.
Protein change: p.Asn2=; no amino-acid change (asparagine 2 retained).
Molecular consequence: synonymous variant. On other transcripts: 5 prime UTR variant (2).
Genome position (GRCh38, 1-based): chr20:62,256,190, C>T. VCF-style: chr20-62256190-C-T. GRCh37 (hg19) VCF-style: chr20-60831246-C-T.
Other names: c.-216C>T (NM_001278649.3); c.-361C>T (NM_001363878.2); c.6C>T, p.Asn2= (NM_014835.5).
Identifiers: ClinVar variation 3708922 (VCV003708922.3).
Genomic context (GRCh38, chr20:62,256,190, plus strand): 5'-CGATGATTCAGTAGAAGAGCACATGTCAGGGGCAGTGGAGGCTGGCTGCTGAAGGATGAA[C>T]GGAGAGGAAGAATTCTTTGATGCCGTCACAGGTGAGTCAAAAGAGAACCAACTGGGGACG-3'
Protein context (NP_653081.1, residues 1-12): M[Asn2=]GEEEFFDAVT